The following is an entry in ClinVar:

ClinVar aggregate classification (germline): Uncertain significance (1 of 4 stars; one submission).

gnomAD v4.1: 2 of 1,613,808 alleles (0.00012%); no homozygotes.

Submission:

Labcorp Genetics (formerly Invitae), Labcorp
Classification: Uncertain significance. Last evaluated: 2022-07-10. Review status: criteria provided, single submitter. Criteria: Invitae Variant Classification Sherloc (09022015). Collection method: clinical testing. Allele origin: germline.
Comment: This sequence change replaces arginine, which is basic and polar, with glycine, which is neutral and non-polar, at codon 318 of the TULP1 protein (p.Arg318Gly). This variant is not present in population databases (gnomAD no frequency). This variant has not been reported in the literature in individuals affected with TULP1-related conditions. Algorithms developed to predict the effect of missense changes on protein structure and function are either unavailable or do not agree on the potential impact of this missense change (SIFT: "Not Available"; PolyPhen-2: "Possibly Damaging"; Align-GVGD: "Not Available"). In summary, the available evidence is currently insufficient to determine the role of this variant in disease. Therefore, it has been classified as a Variant of Uncertain Significance.

NM_003322.6(TULP1):c.952C>G (p.Arg318Gly)

Gene: TULP1 (TUB like protein 1; minus strand). Cytogenetic location: 6p21.31.
Variant type: single nucleotide variant.
Coding change: c.952C>G on transcript NM_003322.6 (MANE Select); coding-DNA position 952, C replaced by G.
Protein change: p.Arg318Gly; replaces arginine 318 with glycine.
Molecular consequence: missense variant.
Genome position (GRCh38, 1-based): chr6:35,506,050, G>C on the plus strand (C>G on the coding strand, the complement: TULP1 is on the minus strand). VCF-style: chr6-35506050-G-C. GRCh37 (hg19) VCF-style: chr6-35473827-G-C.
Other names: c.793C>G, p.Arg265Gly (NM_001289395.2); short protein forms R265G, R318G.
Identifiers: ClinVar variation 2131221 (VCV002131221.1), dbSNP rs1214001883, ClinGen allele CA363780145.